The following is an entry in ClinVar:

NM_004006.3(DMD):c.3635C>T (p.Ala1212Val)

Gene: DMD (dystrophin; minus strand). Cytogenetic location: Xp21.1.
Variant type: single nucleotide variant.
Coding change: c.3635C>T on transcript NM_004006.3 (MANE Select); coding-DNA position 3635, C replaced by T.
Protein change: p.Ala1212Val; replaces alanine 1212 with valine.
Molecular consequence: missense variant.
Genome position (GRCh38, 1-based): chrX:32,448,607, G>A on the plus strand (C>T on the coding strand, the complement: DMD is on the minus strand). VCF-style: chrX-32448607-G-A. GRCh37 (hg19) VCF-style: chrX-32466724-G-A.
Other names: c.3611C>T, p.Ala1204Val (NM_000109.4); c.3623C>T, p.Ala1208Val (NM_004009.3); c.3266C>T, p.Ala1089Val (NM_004010.3); short protein forms A1212V, A1204V, A1089V, A1208V.
Identifiers: ClinVar variation 498335 (VCV000498335.19), dbSNP rs142171890, ClinGen allele CA10379214.
Genomic context (GRCh38, chrX:32,448,607, plus strand): 5'-GCTACAGGTGGAGCTTGAGCTATGACACTATTTACAGACTCAGTAAGGAGTTTCACTTTC[G>A]CTTCTTTTTGTTGGGCCTCTTCTTTAGCTCTCTGAAAAATAAAGAATGCTCTCTTAATAG-3'
Protein context (NP_003997.2, residues 1202-1222): RAKEEAQQKE[Ala1212Val]KVKLLTESVN

ClinVar aggregate classification (germline): Benign/Likely benign. Review status: criteria provided, multiple submitters, no conflicts (2 of 4 stars). 6 submissions from 6 submitters: Benign (1); Likely benign (3). 2 of the submissions do not count toward it. Last evaluated 2026-02-03.

Conditions:
Duchenne muscular dystrophy (DMD). Also called: MUSCULAR DYSTROPHY, PSEUDOHYPERTROPHIC PROGRESSIVE, DUCHENNE TYPE; Duchenne Muscular Dystrophy (DMD). Identifiers: Orphanet 98896, MedGen C0013264, MONDO:0010679, OMIM 310200.
Cardiovascular phenotype. Identifiers: MedGen CN230736.
DMD-related disorder. Also called: DMD-related condition.
Cardiomyopathy (CMYO). Also called: Cardiomyopathies. Identifiers: Orphanet 167848, MedGen C0878544, MONDO:0004994, HP:0001638. Inheritance: Various modes of inheritance.
Becker muscular dystrophy (BMD). Also called: MUSCULAR DYSTROPHY, PSEUDOHYPERTROPHIC PROGRESSIVE, BECKER TYPE; Becker Muscular Dystrophy (BMD). Identifiers: Orphanet 98895, MedGen C0917713, MONDO:0010311, OMIM 300376.
Dystrophin deficiency.

Allele frequency attached by ClinVar (database versions not stated): gnomAD 0.00001; TOPMed 0.00001; gnomAD exomes 0.00004 and 0.00007; ExAC 0.00012.
gnomAD v4.1: 40 of 1,205,398 alleles (0.0033%); highest among the groups gnomAD compares: Middle Eastern, 0.047%; no homozygotes.

Submissions (6):

Ambry Genetics
Classification: Likely benign for Cardiovascular phenotype. Last evaluated: 2026-02-03. Review status: criteria provided, single submitter. Criteria: Ambry Variant Classification Scheme 2023. Collection method: clinical testing. Allele origin: germline.

Labcorp Genetics (formerly Invitae), Labcorp
Classification: Benign for Duchenne muscular dystrophy. Last evaluated: 2026-01-28. Review status: criteria provided, single submitter. Criteria: Invitae Variant Classification Sherloc (09022015). Collection method: clinical testing. Allele origin: germline.

GeneDx
Classification: Likely benign. Last evaluated: 2017-02-01. Review status: criteria provided, single submitter. Criteria: GeneDx Variant Classification (06012015). Collection method: clinical testing. Allele origin: germline. Affected: yes.
Comment: This variant is considered likely benign or benign based on one or more of the following criteria: it is a conservative change, it occurs at a poorly conserved position in the protein, it is predicted to be benign by multiple in silico algorithms, and/or has population frequency not consistent with disease.

Eurofins Ntd Llc (ga)
Classification: Likely benign. Last evaluated: 2016-12-13. Review status: criteria provided, single submitter. Criteria: EGL Classification Definitions 2015. Collection method: clinical testing. Allele origin: germline. Observed: 1 variant allele, 1 heterozygote.

PreventionGenetics, part of Exact Sciences
Classification: Likely benign for DMD-related condition. Last evaluated: 2020-05-28. Review status: no assertion criteria provided. Collection method: clinical testing. Allele origin: germline. Not counted in ClinVar's aggregate classification.
Comment: This variant is classified as likely benign based on ACMG/AMP sequence variant interpretation guidelines (Richards et al. 2015 PMID: 25741868, with internal and published modifications).

Natera, Inc.
Classification: Likely benign for Becker muscular dystrophy; Cardiomyopathy; Duchenne muscular dystrophy; Dystrophin deficiency. Last evaluated: 2018-07-24. Review status: no assertion criteria provided. Collection method: clinical testing. Allele origin: germline. Not counted in ClinVar's aggregate classification.